The following is an entry in ClinVar:

ClinVar aggregate classification (germline): Pathogenic (1 of 4 stars; one submission).

gnomAD v4.1: 48 of 1,612,710 alleles (0.003%); highest among the groups gnomAD compares: Non-Finnish European, 0.0036%; no homozygotes.

Submission:

GeneDx
Classification: Pathogenic. Last evaluated: 2025-12-18. Review status: criteria provided, single submitter. Criteria: GeneDx Variant Classification Process June 2021. Collection method: clinical testing. Allele origin: germline. Affected: yes.
Comment: Nonsense variant predicted to result in protein truncation, as the last 1499 amino acid(s) are lost, and other loss-of-function variants have been reported downstream in HGMD; Has not been previously published as pathogenic or benign in association with FLG-related disorders to our knowledge; This variant is associated with the following publications: (PMID: 40855683, 16444271)

NM_002016.2(FLG):c.7689G>A (p.Trp2563Ter)

Genes: CCDST (cervical cancer associated DHX9 suppressive transcript; plus strand), FLG (filaggrin; minus strand). Cytogenetic location: 1q21.3.
Variant type: single nucleotide variant.
Coding change: c.7689G>A on transcript NM_002016.2 (MANE Select); coding-DNA position 7689, G replaced by A.
Protein change: p.Trp2563Ter; replaces tryptophan 2563 with a stop codon.
Molecular consequence: nonsense.
Genome position (GRCh38, 1-based): chr1:152,307,197, C>T on the plus strand (G>A on the coding strand, the complement: FLG is on the minus strand). VCF-style: chr1-152307197-C-T. GRCh37 (hg19) VCF-style: chr1-152279673-C-T.
Other names: short protein forms W2563*.
Identifiers: ClinVar variation 3781015 (VCV003781015.3).